The following is an entry in ClinVar:

NM_000545.8(HNF1A):c.1623G>A (p.Gln541=)

Gene: HNF1A (HNF1 homeobox A; plus strand). Cytogenetic location: 12q24.31.
Variant type: single nucleotide variant.
Coding change: c.1623G>A on transcript NM_000545.8 (MANE Select); coding-DNA position 1623, G replaced by A.
Protein change: p.Gln541=; no amino-acid change (glutamine 541 retained).
Molecular consequence: synonymous variant.
Genome position (GRCh38, 1-based): chr12:120,999,389, G>A. VCF-style: chr12-120999389-G-A. GRCh37 (hg19) VCF-style: chr12-121437192-G-A.
Other names: c.1623G>A, p.Gln541= (NM_001306179.2); c.1431G>A, p.Gln477= (NM_001406915.1).
Identifiers: ClinVar variation 2580871 (VCV002580871.3), dbSNP rs1877301961, ClinGen allele CA482430652.

ClinVar aggregate classification (germline): Likely pathogenic. Review status: criteria provided, multiple submitters, no conflicts (2 of 4 stars). 2 submissions from 2 submitters: Likely pathogenic (2). Last evaluated 2024-11-18.

Conditions:
Maturity-onset diabetes of the young (MODY). Also called: Maturity onset diabetes mellitus in young. Identifiers: Orphanet 552, MedGen C0342276, MONDO:0018911, HP:0004904.

Submissions (2):

Women's Health and Genetics/Laboratory Corporation of America, LabCorp
Classification: Likely pathogenic for Maturity-onset diabetes of the young. Last evaluated: 2024-11-18. Review status: criteria provided, single submitter. Criteria: LabCorp Variant Classification Summary - May 2015. Collection method: clinical testing. Allele origin: germline.
Comment: Variant summary: HNF1A c.1623G>A (p.Gln541Gln) alters a conserved nucleotide located close to a canonical splice site and therefore could affect mRNA splicing, leading to a significantly altered protein sequence. Several computational tools predict a significant impact on normal splicing: Four predict the variant weakens a 5' donor site. Two predict the variant strengthens cryptic 5' donor sites. At least one publication reports experimental evidence that this variant affects mRNA splicing, resulting in the skipping of exon 8 (Bouvet_2023). The variant was absent in 251126 control chromosomes. c.1623G>A has been reported in the literature in individuals affected with or suspected of Maturity Onset Diabetes Of The Young and Monogenic Diabetes (e.g. Donath_2019, Alvelos_2020, Colclough_2022). These data indicate that the variant is likely associated with disease. The following publications have been ascertained in the context of this evaluation (PMID: 31968686, 34789499, 31291970, DOI 10.1155/2023/6661013). ClinVar contains an entry for this variant (Variation ID: 2580871). Based on the evidence outlined above, the variant was classified as likely pathogenic.

Dept of Medical Genetics, AP-HP Sorbonne University, Pitié-Salpêtrière hospital
Classification: Likely pathogenic for MODY. Last evaluated: 2022-11-01. Review status: criteria provided, single submitter. Criteria: ACMG Guidelines, 2015. Collection method: clinical testing. Allele origin: germline. Affected: yes.
Comment: minigene showed effect on RNA splicing: out-of-frame skipping of exon 8 (r.1502_1623del, p.Ala501Glyfs*7). PS3 PM2

Literature cited by the submitters: PubMed 34789499 (cited by Women's Health and Genetics/Laboratory Corporation of America, LabCorp); PubMed 31291970 (cited by Women's Health and Genetics/Laboratory Corporation of America, LabCorp); PubMed 31968686 (cited by Women's Health and Genetics/Laboratory Corporation of America, LabCorp and Dept of Medical Genetics, AP-HP Sorbonne University, Pitié-Salpêtrière hospital).